The following is an entry in ClinVar:

ClinVar aggregate classification (germline): Uncertain significance. Review status: criteria provided, multiple submitters, no conflicts (2 of 4 stars). 2 submissions from 2 submitters: Uncertain significance (2). Last evaluated 2025-03-01.

Conditions:
Cardiovascular phenotype. Identifiers: MedGen CN230736.

Submissions (2):

Mayo Clinic Laboratories, Mayo Clinic
Classification: Uncertain significance. Last evaluated: 2025-03-01. Review status: criteria provided, single submitter. Criteria: ACMG Guidelines, 2015. Collection method: clinical testing. Allele origin: germline. Observed: 1 variant allele.
Comment: PP3, PM2_supporting

Ambry Genetics
Classification: Uncertain significance for Cardiovascular phenotype. Last evaluated: 2022-03-07. Review status: criteria provided, single submitter. Criteria: Ambry Variant Classification Scheme 2023. Collection method: clinical testing. Allele origin: germline.
Comment: The p.V2084M variant (also known as c.6250G>A), located in coding exon 38 of the FLNC gene, results from a G to A substitution at nucleotide position 6250. The valine at codon 2084 is replaced by methionine, an amino acid with highly similar properties. This amino acid position is conserved. In addition, this alteration is predicted to be deleterious by in silico analysis. Since supporting evidence is limited at this time, the clinical significance of this alteration remains unclear.

NM_001458.5(FLNC):c.6250G>A (p.Val2084Met)

Genes: FLNC (filamin C; plus strand), FLNC-AS1 (FLNC antisense RNA 1; minus strand). Cytogenetic location: 7q32.1.
Variant type: single nucleotide variant.
Coding change: c.6250G>A on transcript NM_001458.5 (MANE Select); coding-DNA position 6250, G replaced by A.
Protein change: p.Val2084Met; replaces valine 2084 with methionine.
Molecular consequence: missense variant.
Genome position (GRCh38, 1-based): chr7:128,853,510, G>A. VCF-style: chr7-128853510-G-A. GRCh37 (hg19) VCF-style: chr7-128493564-G-A.
Other names: p.Val2084Met; c.6151G>A, p.Val2051Met (NM_001127487.2); short protein forms V2051M, V2084M.
Identifiers: ClinVar variation 1752446 (VCV001752446.3), dbSNP rs1808913022, ClinGen allele CA369211905.